The following is an entry in ClinVar:

ClinVar aggregate classification (germline): Benign/Likely benign. Review status: criteria provided, multiple submitters, no conflicts (2 of 4 stars). 4 submissions from 4 submitters: Benign (1); Likely benign (3). Last evaluated 2025-06-16.

Conditions:
Hereditary cancer-predisposing syndrome. Also called: Neoplastic Syndromes, Hereditary; Tumor predisposition; Hereditary Cancer Syndrome; Hereditary neoplastic syndrome. Identifiers: Orphanet 140162, MedGen C0027672, MeSH D009386, MONDO:0015356.
Hereditary diffuse gastric adenocarcinoma (HDGC). Also called: DIFFUSE GASTRIC AND LOBULAR BREAST CANCER SYNDROME. Identifiers: Orphanet 26106, MedGen C1708349, MONDO:0007648, OMIM 137215.

gnomAD v4.1: 1 of 1,614,190 alleles (0.000062%); highest among the groups gnomAD compares: Middle Eastern, 0.017%; no homozygotes.

Submissions (4):

Women's Health and Genetics/Laboratory Corporation of America, LabCorp
Classification: Likely benign. Last evaluated: 2025-06-16. Review status: criteria provided, single submitter. Criteria: LabCorp Variant Classification Summary - May 2015. Collection method: clinical testing. Allele origin: germline.

Labcorp Genetics (formerly Invitae), Labcorp
Classification: Likely benign for Hereditary diffuse gastric adenocarcinoma. Last evaluated: 2024-11-12. Review status: criteria provided, single submitter. Criteria: Invitae Variant Classification Sherloc (09022015). Collection method: clinical testing. Allele origin: germline.

Myriad Genetics, Inc.
Classification: Benign for Hereditary diffuse gastric adenocarcinoma. Last evaluated: 2024-09-12. Review status: criteria provided, single submitter. Criteria: Myriad Autosomal Dominant, Autosomal Recessive and X-Linked Classification Criteria (2023). Collection method: clinical testing. Allele origin: unknown.
Comment: This variant is considered benign. This variant is a silent/synonymous amino acid change and it is not expected to impact splicing.

Ambry Genetics
Classification: Likely benign for Hereditary cancer-predisposing syndrome. Last evaluated: 2021-07-24. Review status: criteria provided, single submitter. Criteria: Ambry Variant Classification Scheme 2023. Collection method: clinical testing. Allele origin: germline.

NM_004360.5(CDH1):c.216C>T (p.Asp72=)

Gene: CDH1 (cadherin 1; plus strand). Cytogenetic location: 16q22.1.
Variant type: single nucleotide variant.
Coding change: c.216C>T on transcript NM_004360.5 (MANE Select); coding-DNA position 216, C replaced by T.
Protein change: p.Asp72=; no amino-acid change (aspartic acid 72 retained).
Molecular consequence: synonymous variant. On other transcripts: 5 prime UTR variant (2).
Genome position (GRCh38, 1-based): chr16:68,801,722, C>T. VCF-style: chr16-68801722-C-T. GRCh37 (hg19) VCF-style: chr16-68835625-C-T.
Other names: c.216C>T, p.Asp72= (NM_001317184.2); c.-1400C>T (NM_001317185.2); c.-1604C>T (NM_001317186.2).
Identifiers: ClinVar variation 1124300 (VCV001124300.13), dbSNP rs2152126685, ClinGen allele CA496152617.
Genomic context (GRCh38, chr16:68,801,722, plus strand): 5'-CCCTGCAGTGAATTTTGAAGATTGCACCGGTCGACAAAGGACAGCCTATTTTTCCCTCGA[C>T]ACCCGATTCAAAGTGGGCACAGATGGTGTGATTACAGTCAAAAGGCCTCTACGGTTTCAT-3'
Protein context (NP_004351.1, residues 62-82): GRQRTAYFSL[Asp72=]TRFKVGTDGV